The following is an entry in ClinVar:

NM_000038.6(APC):c.2444A>G (p.Asn815Ser)

Gene: APC (APC regulator of Wnt signaling pathway; plus strand). Cytogenetic location: 5q22.2.
Variant type: single nucleotide variant.
Coding change: c.2444A>G on transcript NM_000038.6 (MANE Select); coding-DNA position 2444, A replaced by G.
Protein change: p.Asn815Ser; replaces asparagine 815 with serine.
Molecular consequence: missense variant. On other transcripts: non-coding transcript variant (2).
Genome position (GRCh38, 1-based): chr5:112,838,038, A>G. VCF-style: chr5-112838038-A-G. GRCh37 (hg19) VCF-style: chr5-112173735-A-G.
Other names: c.1964A>G, p.Asn655Ser (NM_001354905.2); c.1595A>G, p.Asn532Ser (NM_001354906.2, NM_001407470.1); c.2528A>G, p.Asn843Ser (NM_001407446.1); c.2498A>G, p.Asn833Ser (NM_001407447.1, NM_001407448.1, NM_001407449.1 and 1 more transcripts); c.2444A>G, p.Asn815Ser (NM_001407450.1, NM_001127510.3, NM_001354895.2); c.2423A>G, p.Asn808Ser (NM_001407451.1); c.2414A>G, p.Asn805Ser (NM_001407452.1); c.2267A>G, p.Asn756Ser (NM_001407453.1, NM_001354901.2); and 12 more; short protein forms N732S, N774S, N805S, N689S, N797S, N843S, N431S, N532S.
Identifiers: ClinVar variation 4763243 (VCV004763243.2).

ClinVar aggregate classification (germline): Uncertain significance. Review status: criteria provided, multiple submitters, no conflicts (2 of 4 stars). 2 submissions from 2 submitters: Uncertain significance (2). Last evaluated 2026-06-19.

Conditions:
Familial adenomatous polyposis 1 (FAP1). Also called: FAMILIAL ADENOMATOUS POLYPOSIS 1, ATTENUATED; POLYPOSIS, ADENOMATOUS INTESTINAL. Identifiers: MedGen C2713442, MONDO:0021056, OMIM 175100. Disease mechanism: loss of function.
Hereditary cancer-predisposing syndrome. Also called: Hereditary Cancer Syndrome; Hereditary neoplastic syndrome; Neoplastic Syndromes, Hereditary; Tumor predisposition. Identifiers: Orphanet 140162, MedGen C0027672, MeSH D009386, MONDO:0015356.

Submissions (2):

Ambry Genetics
Classification: Uncertain significance for Hereditary cancer-predisposing syndrome. Last evaluated: 2026-06-19. Review status: criteria provided, single submitter. Criteria: Ambry Variant Classification Scheme 2023. Collection method: clinical testing. Allele origin: germline.
Comment: The p.N815S variant (also known as c.2444A>G), located in coding exon 15 of the APC gene, results from an A to G substitution at nucleotide position 2444. The asparagine at codon 815 is replaced by serine, an amino acid with highly similar properties. This amino acid position is conserved. In addition, in silico predictors for this gene do not accurately predict pathogenicity. Based on the available evidence, the clinical significance of this variant remains unclear.

Labcorp Genetics (formerly Invitae), Labcorp
Classification: Uncertain significance for Familial adenomatous polyposis 1. Last evaluated: 2025-09-21. Review status: criteria provided, single submitter. Criteria: Invitae Variant Classification Sherloc (09022015). Collection method: clinical testing. Allele origin: germline.
Comment: This sequence change replaces asparagine, which is neutral and polar, with serine, which is neutral and polar, at codon 815 of the APC protein (p.Asn815Ser). This variant is present in population databases (rs762990578, gnomAD 0.0009%). This variant has not been reported in the literature in individuals affected with APC-related conditions. Invitae Evidence Modeling of protein sequence and biophysical properties (such as structural, functional, and spatial information, amino acid conservation, physicochemical variation, residue mobility, and thermodynamic stability) indicates that this missense variant is not expected to disrupt APC protein function with a negative predictive value of 95%. In summary, the available evidence is currently insufficient to determine the role of this variant in disease. Therefore, it has been classified as a Variant of Uncertain Significance.